The following is an entry in ClinVar:

ClinVar aggregate classification (germline): Benign/Likely benign. Review status: criteria provided, multiple submitters, no conflicts (2 of 4 stars). 4 submissions from 4 submitters: Benign (2); Likely benign (1). 1 of the submissions does not count toward it. Last evaluated 2026-08-01.

Conditions:
MCM3AP-related disorder. Also called: MCM3AP-related condition.

Allele frequency attached by ClinVar (database versions not stated): 1000 Genomes Project 30x 0.00141; TOPMed 0.00286; ESP Exome Variant Server 0.00308; gnomAD 0.00519; 1000 Genomes Project 0.00140.
gnomAD v4.1: 7,210 of 1,614,152 alleles (0.45%); highest among the groups gnomAD compares: Non-Finnish European, 0.45%; 36 homozygotes.

Submissions (4):

CeGaT Center for Human Genetics Tuebingen
Classification: Likely benign. Last evaluated: 2026-08-01. Review status: criteria provided, single submitter. Criteria: CeGaT Center For Human Genetics Tuebingen Variant Classification Criteria Version 2. Collection method: clinical testing. Allele origin: germline. Affected: yes. Observed: 15 variant alleles.
Comment: MCM3AP: BP4, BP7, BS2

Labcorp Genetics (formerly Invitae), Labcorp
Classification: Benign. Last evaluated: 2026-02-02. Review status: criteria provided, single submitter. Criteria: Invitae Variant Classification Sherloc (09022015). Collection method: clinical testing. Allele origin: germline.

Mayo Clinic Laboratories, Mayo Clinic
Classification: Benign. Last evaluated: 2023-04-19. Review status: criteria provided, single submitter. Criteria: ACMG Guidelines, 2015. Collection method: clinical testing. Allele origin: germline. Observed: 7 variant alleles.
Comment: BS1, BS2, BP4, BP7

PreventionGenetics, part of Exact Sciences
Classification: Likely benign for MCM3AP-related condition. Last evaluated: 2024-09-10. Review status: no assertion criteria provided. Collection method: clinical testing. Allele origin: germline. Not counted in ClinVar's aggregate classification.
Comment: This variant is classified as likely benign based on ACMG/AMP sequence variant interpretation guidelines (Richards et al. 2015 PMID: 25741868, with internal and published modifications).

NM_003906.5(MCM3AP):c.948C>G (p.Ser316=)

Gene: MCM3AP (minichromosome maintenance complex component 3 associated protein; minus strand). Cytogenetic location: 21q22.3.
Variant type: single nucleotide variant.
Coding change: c.948C>G on transcript NM_003906.5 (MANE Select); coding-DNA position 948, C replaced by G.
Protein change: p.Ser316=; no amino-acid change (serine 316 retained).
Molecular consequence: synonymous variant.
Genome position (GRCh38, 1-based): chr21:46,284,339, G>C on the plus strand (C>G on the coding strand, the complement: MCM3AP is on the minus strand). VCF-style: chr21-46284339-G-C. GRCh37 (hg19) VCF-style: chr21-47704253-G-C.
Other names: p.Ser316=.
Identifiers: ClinVar variation 718693 (VCV000718693.34), dbSNP rs138591880, ClinGen allele CA10077228.